The following is an entry in ClinVar:

NM_001253697.2(ERBIN):c.953T>C (p.Ile318Thr)

Gene: ERBIN (erbb2 interacting protein; plus strand). Cytogenetic location: 5q12.3.
Variant type: single nucleotide variant.
Coding change: c.953T>C on transcript NM_001253697.2 (MANE Select); coding-DNA position 953, T replaced by C.
Protein change: p.Ile318Thr; replaces isoleucine 318 with threonine.
Molecular consequence: missense variant.
Genome position (GRCh38, 1-based): chr5:66,025,910, T>C. VCF-style: chr5-66025910-T-C. GRCh37 (hg19) VCF-style: chr5-65321738-T-C.
Other names: c.953T>C, p.Ile318Thr (NM_001006600.3, NM_001253698.2, NM_001253699.2 and 2 more transcripts); c.953T>C (NM_001006600.2); short protein forms I318T.
Identifiers: ClinVar variation 1462365 (VCV001462365.7), dbSNP rs976920162, ClinGen allele CA120406908.
Genomic context (GRCh38, chr5:66,025,910, plus strand): 5'-TAATATCAGTAGAAGAACTGGATTGTAGTTTCAATGAAGTTGAAGCTTTGCCTTCATCTA[T>C]TGGGCAGCTTACTAACTTAAGAACTTTTGCTGCTGATCATAATTACTTACAGCAGTTGCC-3'
Protein context (NP_001240626.1, residues 308-328): FNEVEALPSS[Ile318Thr]GQLTNLRTFA

ClinVar aggregate classification (germline): Uncertain significance. Review status: criteria provided, multiple submitters, no conflicts (2 of 4 stars). 2 submissions from 2 submitters: Uncertain significance (2). Last evaluated 2025-07-04.

Conditions:
ERBIN-related disorder. Also called: ERBIN-related condition.

Allele frequency attached by ClinVar (database versions not stated): gnomAD exomes below 0.00001; TOPMed below 0.00001; gnomAD 0.00001.
gnomAD v4.1: 8 of 1,594,062 alleles (0.0005%); highest among the groups gnomAD compares: Non-Finnish European, 0.000085%; no homozygotes.

Submissions (2):

Labcorp Genetics (formerly Invitae), Labcorp
Classification: Uncertain significance. Last evaluated: 2025-07-04. Review status: criteria provided, single submitter. Criteria: Invitae Variant Classification Sherloc (09022015). Collection method: clinical testing. Allele origin: germline.
Comment: This sequence change replaces isoleucine, which is neutral and non-polar, with threonine, which is neutral and polar, at codon 318 of the ERBIN protein (p.Ile318Thr). This variant is not present in population databases (gnomAD no frequency). This variant has not been reported in the literature in individuals affected with ERBIN-related conditions. ClinVar contains an entry for this variant (Variation ID: 1462365). An algorithm developed to predict the effect of missense changes on protein structure and function (PolyPhen-2) suggests that this variant is likely to be tolerated. In summary, the available evidence is currently insufficient to determine the role of this variant in disease. Therefore, it has been classified as a Variant of Uncertain Significance.

PreventionGenetics, part of Exact Sciences
Classification: Uncertain significance for ERBIN-related condition. Last evaluated: 2023-03-27. Review status: criteria provided, single submitter. Criteria: ACMG Guidelines, 2015. Collection method: clinical testing. Allele origin: germline.
Comment: The ERBIN c.953T>C variant is predicted to result in the amino acid substitution p.Ile318Thr. To our knowledge, this variant has not been reported in the literature or in a large population database, indicating this variant is rare. At this time, the clinical significance of this variant is uncertain due to the absence of conclusive functional and genetic evidence.